The following is an entry in ClinVar:

ClinVar aggregate classification (germline): Uncertain significance (1 of 4 stars; one submission).

Allele frequency attached by ClinVar (database versions not stated): gnomAD 0.00002; TOPMed 0.00003; gnomAD exomes 0.00006; ESP Exome Variant Server 0.00008; ExAC 0.00017.
gnomAD v4.1: 81 of 1,610,184 alleles (0.005%); highest among the groups gnomAD compares: Non-Finnish European, 0.0068%; no homozygotes.

Submission:

Labcorp Genetics (formerly Invitae), Labcorp
Classification: Uncertain significance. Last evaluated: 2022-04-19. Review status: criteria provided, single submitter. Criteria: Invitae Variant Classification Sherloc (09022015). Collection method: clinical testing. Allele origin: germline.
Comment: This sequence change replaces tyrosine, which is neutral and polar, with histidine, which is basic and polar, at codon 226 of the ORC4 protein (p.Tyr226His). This variant is present in population databases (rs147612226, gnomAD 0.02%). This variant has not been reported in the literature in individuals affected with ORC4-related conditions. Algorithms developed to predict the effect of missense changes on protein structure and function (SIFT, PolyPhen-2, Align-GVGD) all suggest that this variant is likely to be disruptive. In summary, the available evidence is currently insufficient to determine the role of this variant in disease. Therefore, it has been classified as a Variant of Uncertain Significance.

NM_181741.4(ORC4):c.676T>C (p.Tyr226His)

Gene: ORC4 (origin recognition complex subunit 4; minus strand). Cytogenetic location: 2q23.1.
Variant type: single nucleotide variant.
Coding change: c.676T>C on transcript NM_181741.4 (MANE Select); coding-DNA position 676, T replaced by C.
Protein change: p.Tyr226His; replaces tyrosine 226 with histidine.
Molecular consequence: missense variant.
Genome position (GRCh38, 1-based): chr2:147,948,137, A>G on the plus strand (T>C on the coding strand, the complement: ORC4 is on the minus strand). VCF-style: chr2-147948137-A-G. GRCh37 (hg19) VCF-style: chr2-148705706-A-G.
Other names: c.676T>C, p.Tyr226His (NM_001190879.3, NM_001374270.1, NM_002552.5 and 1 more transcripts); c.424T>C, p.Tyr142His (NM_001190881.3, NM_001374272.1); c.454T>C, p.Tyr152His (NM_001190882.3); short protein forms Y142H, Y152H, Y226H.
Identifiers: ClinVar variation 2417372 (VCV002417372.3), dbSNP rs147612226, ClinGen allele CA1899540.